The following is an entry in ClinVar:

ClinVar aggregate classification (germline): Uncertain significance (1 of 4 stars; one submission).

Conditions:
Trichorhinophalangeal dysplasia type I (TRPS1). Also called: TRPS I; TRICHORHINOPHALANGEAL SYNDROME, TYPE I. Identifiers: Orphanet 77258, MedGen C0432233, MONDO:0008596, OMIM 190350.
Trichorhinophalangeal syndrome, type III (TRPS3). Also called: SUGIO-KAJII SYNDROME. Identifiers: Orphanet 77258, MedGen C1860823, OMIM 190351, MONDO:0008597.

Allele frequency attached by ClinVar (database versions not stated): TOPMed below 0.00001; gnomAD exomes 0.00001.
gnomAD v4.1: 4 of 1,613,658 alleles (0.00025%); highest among the groups gnomAD compares: Non-Finnish European, 0.00034%; no homozygotes.

Submission:

Labcorp Genetics (formerly Invitae), Labcorp
Classification: Uncertain significance for Trichorhinophalangeal syndrome, type III; Trichorhinophalangeal dysplasia type I. Last evaluated: 2022-07-18. Review status: criteria provided, single submitter. Criteria: Invitae Variant Classification Sherloc (09022015). Collection method: clinical testing. Allele origin: germline.
Comment: Algorithms developed to predict the effect of missense changes on protein structure and function are either unavailable or do not agree on the potential impact of this missense change (SIFT: "Deleterious"; PolyPhen-2: "Probably Damaging"; Align-GVGD: "Class C0"). This sequence change replaces asparagine, which is neutral and polar, with lysine, which is basic and polar, at codon 1282 of the TRPS1 protein (p.Asn1282Lys). This variant is present in population databases (no rsID available, gnomAD 0.0009%). This variant has not been reported in the literature in individuals affected with TRPS1-related conditions. ClinVar contains an entry for this variant (Variation ID: 1508294). In summary, the available evidence is currently insufficient to determine the role of this variant in disease. Therefore, it has been classified as a Variant of Uncertain Significance.

NM_014112.5(TRPS1):c.3846C>A (p.Asn1282Lys)

Gene: TRPS1 (transcriptional repressor GATA binding 1; minus strand). Cytogenetic location: 8q23.3.
Variant type: single nucleotide variant.
Coding change: c.3846C>A on transcript NM_014112.5 (MANE Select); coding-DNA position 3846, C replaced by A.
Protein change: p.Asn1282Lys; replaces asparagine 1282 with lysine.
Molecular consequence: missense variant.
Genome position (GRCh38, 1-based): chr8:115,414,062, G>T on the plus strand (C>A on the coding strand, the complement: TRPS1 is on the minus strand). VCF-style: chr8-115414062-G-T. GRCh37 (hg19) VCF-style: chr8-116426290-G-T.
Other names: c.3825C>A, p.Asn1275Lys (NM_001282903.3); c.3807C>A, p.Asn1269Lys (NM_001330599.2); c.3819C>A, p.Asn1273Lys (NM_001282902.3); short protein forms N1282K, N1269K, N1273K, N1275K.
Identifiers: ClinVar variation 1508294 (VCV001508294.6), dbSNP rs1343541017, ClinGen allele CA372061840.